The following is an entry in ClinVar:

NM_032153.6(ZIC4):c.-15-1253C>T

Gene: ZIC4 (Zic family zinc finger 4; minus strand). Cytogenetic location: 3q24.
Variant type: single nucleotide variant.
Coding change: c.-15-1253C>T on transcript NM_032153.6 (MANE Select); 1253 bases into the intron before 15 bases upstream of the start codon, C replaced by T.
Molecular consequence: intron variant. On other transcripts: missense variant (1).
Genome position (GRCh38, 1-based): chr3:147,404,065, G>A on the plus strand (C>T on the coding strand, the complement: ZIC4 is on the minus strand). VCF-style: chr3-147404065-G-A. GRCh37 (hg19) VCF-style: chr3-147121852-G-A.
Other names: c.34C>T, p.Leu12Phe (NM_001168378.1); c.-15-1253C>T (NM_001243256.2); c.100-1253C>T (NM_001168379.2); short protein forms L12F.
Identifiers: ClinVar variation 3698039 (VCV003698039.2).
Genomic context (GRCh38, chr3:147,404,065, plus strand): 5'-AAAAGGCATTCTTCCCCAAAGGTAATAAGCTCCTTCCAGCACAAATCAGGAAAGAAAGGA[G>A]GCCTAACTTTGCATTCCTACAGAAGGGCGGCATGCTGGGCGTCCTCGCTCTGAAATTTCC-3'

ClinVar aggregate classification (germline): Uncertain significance (1 of 4 stars; one submission).

gnomAD v4.1: 49 of 1,536,990 alleles (0.0032%); highest among the groups gnomAD compares: Admixed American, 0.0059%; no homozygotes.

Submission:

Labcorp Genetics (formerly Invitae), Labcorp
Classification: Uncertain significance. Last evaluated: 2024-03-17. Review status: criteria provided, single submitter. Criteria: Invitae Variant Classification Sherloc (09022015). Collection method: clinical testing. Allele origin: germline.
Comment: This sequence change replaces leucine, which is neutral and non-polar, with phenylalanine, which is neutral and non-polar, at codon 12 of the ZIC4 protein (p.Leu12Phe). This variant is present in population databases (rs750313355, gnomAD 0.009%). This variant has not been reported in the literature in individuals affected with ZIC4-related conditions. An algorithm developed to predict the effect of missense changes on protein structure and function (PolyPhen-2) suggests that this variant is likely to be tolerated. In summary, the available evidence is currently insufficient to determine the role of this variant in disease. Therefore, it has been classified as a Variant of Uncertain Significance.